The following is an entry in ClinVar:

ClinVar aggregate classification (germline): Uncertain significance. Review status: criteria provided, multiple submitters, no conflicts (2 of 4 stars). 2 submissions from 2 submitters: Uncertain significance (2). Last evaluated 2025-08-17.

Conditions:
Cardiomyopathy (CMYO). Also called: Cardiomyopathies. Identifiers: Orphanet 167848, MedGen C0878544, MONDO:0004994, HP:0001638. Inheritance: Various modes of inheritance.
Arrhythmogenic cardiomyopathy with wooly hair and keratoderma. Also called: PALMOPLANTAR KERATODERMA WITH LEFT VENTRICULAR CARDIOMYOPATHY AND WOOLLY HAIR; Dilated cardiomyopathy with woolly hair and keratoderma; Carvajal syndrome; Arrhythmogenic cardiomyopathy with woolly hair and keratoderma. Identifiers: Orphanet 65282, MedGen C1854063, MONDO:0011581, OMIM 605676.
Arrhythmogenic right ventricular dysplasia 8 (ARVD8). Also called: Arrhythmogenic Right Ventricular Dysplasia/Cardiomyopathy 8; ARRHYTHMOGENIC RIGHT VENTRICULAR DYSPLASIA, FAMILIAL, 8; ARRHYTHMOGENIC RIGHT VENTRICULAR CARDIOMYOPATHY 8. Identifiers: MedGen C1843896, MONDO:0011831, OMIM 607450.

Submissions (2):

Color Diagnostics, LLC DBA Color Health
Classification: Uncertain significance for Cardiomyopathy. Last evaluated: 2025-08-17. Review status: criteria provided, single submitter. Criteria: ACMG Guidelines, 2015. Collection method: clinical testing. Allele origin: germline.
Comment: This missense variant replaces glycine with glutamic acid at codon 193 of the DSP protein. Computational prediction suggests that this variant may not impact protein structure and function. To our knowledge, functional studies have not been reported for this variant. This variant has not been reported in individuals affected with DSP-related disorders in the literature. This variant has not been identified in the general population by the Genome Aggregation Database (gnomAD). The available evidence is insufficient to determine the role of this variant in disease conclusively. Therefore, this variant is classified as a Variant of Uncertain Significance.

Labcorp Genetics (formerly Invitae), Labcorp
Classification: Uncertain significance for Arrhythmogenic cardiomyopathy with wooly hair and keratoderma; Arrhythmogenic right ventricular dysplasia 8. Last evaluated: 2024-09-03. Review status: criteria provided, single submitter. Criteria: Invitae Variant Classification Sherloc (09022015). Collection method: clinical testing. Allele origin: germline.
Comment: This sequence change replaces glycine, which is neutral and non-polar, with glutamic acid, which is acidic and polar, at codon 193 of the DSP protein (p.Gly193Glu). This variant is not present in population databases (gnomAD no frequency). This variant has not been reported in the literature in individuals affected with DSP-related conditions. An algorithm developed to predict the effect of missense changes on protein structure and function (PolyPhen-2) suggests that this variant is likely to be disruptive. In summary, the available evidence is currently insufficient to determine the role of this variant in disease. Therefore, it has been classified as a Variant of Uncertain Significance.

NM_004415.4(DSP):c.578G>A (p.Gly193Glu)

Gene: DSP (desmoplakin; plus strand). Cytogenetic location: 6p24.3.
Variant type: single nucleotide variant.
Coding change: c.578G>A on transcript NM_004415.4 (MANE Select); coding-DNA position 578, G replaced by A.
Protein change: p.Gly193Glu; replaces glycine 193 with glutamic acid.
Molecular consequence: missense variant.
Genome position (GRCh38, 1-based): chr6:7,559,381, G>A. VCF-style: chr6-7559381-G-A. GRCh37 (hg19) VCF-style: chr6-7559614-G-A.
Other names: c.578G>A, p.Gly193Glu (NM_001008844.3, NM_001319034.2, NM_001406591.1); short protein forms G193E.
Identifiers: ClinVar variation 3748980 (VCV003748980.3).